The following is an entry in ClinVar:

ClinVar aggregate classification (germline): Conflicting classifications of pathogenicity. Review status: criteria provided, conflicting classifications (1 of 4 stars). 12 submissions from 12 submitters: Uncertain significance (1); Benign (8). 3 of the submissions do not count toward it. Last evaluated 2026-02-02.

Conditions:
Autosomal dominant Parkinson disease 8. Also called: LRRK2-Related Parkinson Disease; Parkinson disease 8; Parkinson disease 8, susceptibility to. Identifiers: Orphanet 411602, MedGen C1846862, MONDO:0011764, OMIM 607060.

Allele frequency attached by ClinVar (database versions not stated): ExAC 0.08607; ESP Exome Variant Server 0.09460; gnomAD 0.09815 and 0.10004; 1000 Genomes Project 0.09944; 1000 Genomes Project 30x 0.09963; TOPMed 0.10853.
gnomAD v4.1: 118,428 of 1,596,920 alleles (7.4%); highest among the groups gnomAD compares: Admixed American, 16%; 5,204 homozygotes.

Submissions (12):

Labcorp Genetics (formerly Invitae), Labcorp
Classification: Benign for Autosomal dominant Parkinson disease 8. Last evaluated: 2026-02-02. Review status: criteria provided, single submitter. Criteria: Invitae Variant Classification Sherloc (09022015). Collection method: clinical testing. Allele origin: germline.

Blueprint Genetics
Classification: Benign. Last evaluated: 2024-11-27. Review status: criteria provided, single submitter. Criteria: ACMG Guidelines, 2015. Collection method: clinical testing. Allele origin: germline.

Mayo Clinic Laboratories, Mayo Clinic
Classification: Benign. Last evaluated: 2023-02-22. Review status: criteria provided, single submitter. Criteria: ACMG Guidelines, 2015. Collection method: clinical testing. Allele origin: germline. Observed: 87 variant alleles.
Comment: BA1, BP4

Fulgent Genetics
Classification: Benign for Autosomal dominant Parkinson disease 8. Last evaluated: 2021-09-30. Review status: criteria provided, single submitter. Criteria: ACMG Guidelines, 2015. Collection method: clinical testing. Allele origin: unknown.

Department of Neurology, Qilu Hospital of Shandong University
Classification: Uncertain significance for Autosomal dominant Parkinson disease 8. Last evaluated: 2019-05-01. Review status: criteria provided, single submitter. Criteria: ACMG2015. Collection method: clinical testing. Allele origin: germline. Affected: yes. Observed: 1 variant allele.

GeneDx
Classification: Benign. Last evaluated: 2018-09-04. Review status: criteria provided, single submitter. Criteria: GeneDx Variant Classification Process June 2021. Collection method: clinical testing. Allele origin: germline. Affected: yes.
Comment: This variant is associated with the following publications: (PMID: 31487119, 31182772, 30917570, 29321258, 20186690, 23913756, 20721913)

Illumina Laboratory Services, Illumina
Classification: Benign for Autosomal dominant Parkinson disease 8. Last evaluated: 2018-03-06. Review status: criteria provided, single submitter. Criteria: ICSL Variant Classification Criteria 13 December 2019. Collection method: clinical testing. Allele origin: germline.
Comment: This variant was observed in the ICSL laboratory as part of a predisposition screen in an ostensibly healthy population. It had not been previously curated by ICSL or reported in the Human Gene Mutation Database (HGMD: prior to June 1st, 2018), and was therefore a candidate for classification through an automated scoring system. Utilizing variant allele frequency, disease prevalence and penetrance estimates, and inheritance mode, an automated score was calculated to assess if this variant is too frequent to cause the disease. Based on the score and internal cut-off values, a variant classified as benign is not then subjected to further curation. The score for this variant resulted in a classification of benign for this disease.

Athena Diagnostics
Classification: Benign. Last evaluated: 2017-09-29. Review status: criteria provided, single submitter. Criteria: Athena Diagnostics Criteria. Collection method: clinical testing. Allele origin: germline.

Breakthrough Genomics
Classification: Benign. Review status: criteria provided, single submitter. Criteria: ACMG Guidelines, 2015. Collection method: not provided. Allele origin: germline. Inheritance: Autosomal dominant inheritance. Affected: yes.

Clinical Genetics DNA and cytogenetics Diagnostics Lab, Erasmus MC, Erasmus Medical Center
Classification: Benign. Review status: no assertion criteria provided. Collection method: clinical testing. Allele origin: germline. Affected: yes. Study: VKGL Data-share Consensus. Not counted in ClinVar's aggregate classification.

GeneReviews
No classification provided. Condition: Autosomal dominant Parkinson disease 8. Review status: no classification provided. Collection method: literature only. Allele origin: unknown. Not counted in ClinVar's aggregate classification.

Genome Diagnostics Laboratory, Amsterdam University Medical Center
Classification: Likely benign. Review status: no assertion criteria provided. Collection method: clinical testing. Allele origin: germline. Affected: yes. Study: VKGL Data-share Consensus. Not counted in ClinVar's aggregate classification.

Literature cited by the submitters: PubMed 20186690 (cited by Mayo Clinic Laboratories, Mayo Clinic and Department of Neurology, Qilu Hospital of Shandong University); PubMed 31487119 (cited by Mayo Clinic Laboratories, Mayo Clinic and Department of Neurology, Qilu Hospital of Shandong University); PubMed 34542912 (cited by Mayo Clinic Laboratories, Mayo Clinic and Department of Neurology, Qilu Hospital of Shandong University); PubMed 20721913 (cited by Department of Neurology, Qilu Hospital of Shandong University); PubMed 23913756 (cited by Department of Neurology, Qilu Hospital of Shandong University); PubMed 29321258 (cited by Department of Neurology, Qilu Hospital of Shandong University); PubMed 30917570 (cited by Department of Neurology, Qilu Hospital of Shandong University); PubMed 31182772 (cited by Department of Neurology, Qilu Hospital of Shandong University); PubMed 20301387 (cited by GeneReviews); NCBI Bookshelf NBK1208 (cited by GeneReviews).

NM_198578.4(LRRK2):c.1653C>G (p.Asn551Lys)

Gene: LRRK2 (leucine rich repeat kinase 2; plus strand). Cytogenetic location: 12q12.
Variant type: single nucleotide variant.
Coding change: c.1653C>G on transcript NM_198578.4 (MANE Select); coding-DNA position 1653, C replaced by G.
Protein change: p.Asn551Lys; replaces asparagine 551 with lysine.
Molecular consequence: missense variant.
Genome position (GRCh38, 1-based): chr12:40,263,898, C>G. VCF-style: chr12-40263898-C-G. GRCh37 (hg19) VCF-style: chr12-40657700-C-G.
Other names: short protein forms N551K.
Identifiers: ClinVar variation 39139 (VCV000039139.24), dbSNP rs7308720, ClinGen allele CA343489.